The following is an entry in ClinVar:

NM_012470.4(TNPO3):c.1433G>A (p.Arg478Gln)

Gene: TNPO3 (transportin 3; minus strand). Cytogenetic location: 7q32.1.
Variant type: single nucleotide variant.
Coding change: c.1433G>A on transcript NM_012470.4 (MANE Select); coding-DNA position 1433, G replaced by A.
Protein change: p.Arg478Gln; replaces arginine 478 with glutamine.
Molecular consequence: missense variant. On other transcripts: non-coding transcript variant (18).
Genome position (GRCh38, 1-based): chr7:128,990,026, C>T on the plus strand (G>A on the coding strand, the complement: TNPO3 is on the minus strand). VCF-style: chr7-128990026-C-T. GRCh37 (hg19) VCF-style: chr7-128630080-C-T.
Other names: c.1433G>A, p.Arg478Gln (NM_001191028.3, NM_001382218.1, NM_001382220.1 and 1 more transcripts); c.1535G>A, p.Arg512Gln (NM_001382216.1); c.1514G>A, p.Arg505Gln (NM_001382217.1); c.1325G>A, p.Arg442Gln (NM_001382219.1); c.1289G>A, p.Arg430Gln (NM_001382221.1); c.1286G>A, p.Arg429Gln (NM_001382222.1); short protein forms R429Q, R430Q, R442Q, R478Q, R505Q, R512Q.
Identifiers: ClinVar variation 2657993 (VCV002657993.25), dbSNP rs778504249, ClinGen allele CA4478133.

ClinVar aggregate classification (germline): Uncertain significance. Review status: criteria provided, multiple submitters, no conflicts (2 of 4 stars). 2 submissions from 2 submitters: Uncertain significance (2). Last evaluated 2025-04-06.

Conditions:
Autosomal dominant limb-girdle muscular dystrophy type 1F (LGMDD2). Also called: Limb-girdle muscular dystrophy, type 1F; MUSCULAR DYSTROPHY, LIMB-GIRDLE, AUTOSOMAL DOMINANT 2. Identifiers: Orphanet 55595, MedGen C1842062, MONDO:0012034, OMIM 608423.

Allele frequency attached by ClinVar (database versions not stated): TOPMed below 0.00001; gnomAD 0.00001; gnomAD exomes 0.00001; ExAC 0.00002.
gnomAD v4.1: 12 of 1,614,030 alleles (0.00074%); highest among the groups gnomAD compares: East Asian, 0.0022%; no homozygotes.

Submissions (2):

Labcorp Genetics (formerly Invitae), Labcorp
Classification: Uncertain significance for Autosomal dominant limb-girdle muscular dystrophy type 1F. Last evaluated: 2025-04-06. Review status: criteria provided, single submitter. Criteria: Invitae Variant Classification Sherloc (09022015). Collection method: clinical testing. Allele origin: germline.
Comment: This sequence change replaces arginine, which is basic and polar, with glutamine, which is neutral and polar, at codon 478 of the TNPO3 protein (p.Arg478Gln). This variant is present in population databases (rs778504249, gnomAD 0.01%). This variant has not been reported in the literature in individuals affected with TNPO3-related conditions. ClinVar contains an entry for this variant (Variation ID: 2657993). Invitae Evidence Modeling of protein sequence and biophysical properties (such as structural, functional, and spatial information, amino acid conservation, physicochemical variation, residue mobility, and thermodynamic stability) indicates that this missense variant is not expected to disrupt TNPO3 protein function with a negative predictive value of 80%. In summary, the available evidence is currently insufficient to determine the role of this variant in disease. Therefore, it has been classified as a Variant of Uncertain Significance.

CeGaT Center for Human Genetics Tuebingen
Classification: Uncertain significance. Last evaluated: 2023-07-01. Review status: criteria provided, single submitter. Criteria: CeGaT Center For Human Genetics Tuebingen Variant Classification Criteria Version 2. Collection method: clinical testing. Allele origin: germline. Affected: yes. Observed: 1 variant allele.